The following is an entry in ClinVar:

ClinVar aggregate classification (germline): Uncertain significance (1 of 4 stars; one submission).

Submission:

GeneDx
Classification: Uncertain significance. Last evaluated: 2022-09-20. Review status: criteria provided, single submitter. Criteria: GeneDx Variant Classification Process June 2021. Collection method: clinical testing. Allele origin: germline. Affected: yes.
Comment: Not observed at significant frequency in large population cohorts (gnomAD); In silico analysis supports that this missense variant does not alter protein structure/function; Has not been previously published as pathogenic or benign to our knowledge

NM_001375524.1(TRRAP):c.3604G>T (p.Ala1202Ser)

Gene: TRRAP (transformation/transcription domain associated protein; plus strand). Cytogenetic location: 7q22.1.
Variant type: single nucleotide variant.
Coding change: c.3604G>T on transcript NM_001375524.1 (MANE Select); coding-DNA position 3604, G replaced by T.
Protein change: p.Ala1202Ser; replaces alanine 1202 with serine.
Molecular consequence: missense variant.
Genome position (GRCh38, 1-based): chr7:98,931,417, G>T. VCF-style: chr7-98931417-G-T. GRCh37 (hg19) VCF-style: chr7-98529040-G-T.
Other names: c.3604G>T, p.Ala1202Ser (NM_001244580.2, NM_003496.4); short protein forms A1202S.
Identifiers: ClinVar variation 2444657 (VCV002444657.1), dbSNP rs2484782596, ClinGen allele CA368301133.